The following is an entry in ClinVar:

NM_001163435.3(TBCK):c.2479G>T (p.Glu827Ter)

Gene: TBCK (TBC1 domain containing kinase; minus strand). Cytogenetic location: 4q24.
Variant type: single nucleotide variant.
Coding change: c.2479G>T on transcript NM_001163435.3 (MANE Select); coding-DNA position 2479, G replaced by T.
Protein change: p.Glu827Ter; replaces glutamic acid 827 with a stop codon.
Molecular consequence: nonsense.
Genome position (GRCh38, 1-based): chr4:106,095,574, C>A on the plus strand (G>T on the coding strand, the complement: TBCK is on the minus strand). VCF-style: chr4-106095574-C-A. GRCh37 (hg19) VCF-style: chr4-107016731-C-A.
Other names: NM_001163435.3(TBCK):c.2479G>T; p.Glu827Ter; c.2479G>T, p.Glu827Ter (NM_001163436.4); c.2362G>T, p.Glu788Ter (NM_001163437.3); c.1963G>T, p.Glu655Ter (NM_001290768.2); c.2290G>T, p.Glu764Ter (NM_033115.5); short protein forms E655*, E827*, E788*, E764*.
Identifiers: ClinVar variation 1460053 (VCV001460053.7), dbSNP rs2149518765, ClinGen allele CA357970744.

ClinVar aggregate classification (germline): Pathogenic/Likely pathogenic. Review status: criteria provided, multiple submitters, no conflicts (2 of 4 stars). 2 submissions from 2 submitters: Pathogenic (1); Likely pathogenic (1). Last evaluated 2025-01-13.

Conditions:
Hypotonia, infantile, with psychomotor retardation and characteristic facies 3 (IHPRF3). Also called: TBCK-Related Neurodevelopmental Disorder. Identifiers: Orphanet 488632, MedGen C5567480, MONDO:0014823, OMIM 616900.

gnomAD v4.1: 1 of 1,614,082 alleles (0.000062%); highest among the groups gnomAD compares: Non-Finnish European, 0.000085%; no homozygotes.

Submissions (2):

Broad Center for Mendelian Genomics, Broad Institute of MIT and Harvard
Classification: Likely pathogenic for Hypotonia, infantile, with psychomotor retardation and characteristic facies 3. Last evaluated: 2025-01-13. Review status: criteria provided, single submitter. Criteria: ACMG Guidelines, 2015. Collection method: curation. Allele origin: germline. Inheritance: Autosomal recessive inheritance.
Comment: The p.Glu827variant in TBCK has not been previously reported in the literature in individuals with TBCK-related intellectual disability syndrome, but has been identified in 0.00008% (1/1179968) of European (non-Finnish) chromosomes by the Genome Aggregation Database (gnomAD; dbSNP ID: rs2149518765). Although this variant has been seen in the general population in a heterozygous state, its frequency is low enough to be consistent with a recessive carrier frequency. This variant has also been reported in ClinVar (Variation ID: 1460053) and has been interpreted as pathogenic by Invitae. This nonsense variant leads to a premature termination codon at position 827, which is predicted to lead to a truncated or absent protein. Loss of function of the TBCK gene is an established disease mechanism in autosomal recessive TBCK-related intellectual disability syndrome. In summary, although additional studies are required to fully establish its clinical significance, this variant is likely pathogenic for autosomal recessive TBCK-related intellectual disability syndrome. ACMG/AMP Criteria applied: PVS1, PM2_supporting (Richards 2015).

Labcorp Genetics (formerly Invitae), Labcorp
Classification: Pathogenic. Last evaluated: 2021-08-01. Review status: criteria provided, single submitter. Criteria: Invitae Variant Classification Sherloc (09022015). Collection method: clinical testing. Allele origin: germline.
Comment: This sequence change creates a premature translational stop signal (p.Glu827*) in the TBCK gene. It is expected to result in an absent or disrupted protein product. Loss-of-function variants in TBCK are known to be pathogenic (PMID: 27040692, 30103036). This variant is not present in population databases (ExAC no frequency). This variant has not been reported in the literature in individuals affected with TBCK-related conditions. Algorithms developed to predict the effect of sequence changes on RNA splicing suggest that this variant may create or strengthen a splice site. For these reasons, this variant has been classified as Pathogenic.

Literature cited by the submitters: PubMed 27040692 (cited by Labcorp Genetics (formerly Invitae), Labcorp); PubMed 30103036 (cited by Labcorp Genetics (formerly Invitae), Labcorp).